The following is an entry in ClinVar:

ClinVar aggregate classification (germline): Likely pathogenic. Review status: criteria provided, single submitter (1 of 4 stars). 2 submissions from 2 submitters: Likely pathogenic (1). 1 of the submissions does not count toward it. Last evaluated 2025-09-02.

Conditions:
Developmental and epileptic encephalopathy, 11 (DEE11). Also called: Early infantile epileptic encephalopathy 11. Identifiers: Orphanet 1934, MedGen C3150987, MONDO:0013388, OMIM 613721.
Seizures, benign familial infantile, 3 (BFIS3). Also called: CONVULSIONS, BENIGN FAMILIAL INFANTILE, 3; Familial neonatal seizures. Identifiers: Orphanet 140927, Orphanet 306, MedGen C1843140, MONDO:0011904, OMIM 607745.
Benign familial infantile epilepsy. Also called: Benign familial infantile seizures. Identifiers: Orphanet 306, MedGen C5575231, MONDO:0017615.

Submissions (2):

Labcorp Genetics (formerly Invitae), Labcorp
Classification: Likely pathogenic for Seizures, benign familial infantile, 3; Developmental and epileptic encephalopathy, 11. Last evaluated: 2025-09-02. Review status: criteria provided, single submitter. Criteria: Invitae Variant Classification Sherloc (09022015). Collection method: clinical testing. Allele origin: germline.
Comment: This sequence change replaces threonine, which is neutral and polar, with asparagine, which is neutral and polar, at codon 957 of the SCN2A protein (p.Thr957Asn). This variant is not present in population databases (gnomAD no frequency). This missense change has been observed in individual(s) with benign familial neonatal-infantile seizures (PMID: 35431799; internal data). In at least one individual the variant was observed to be de novo. It has also been observed to segregate with disease in related individuals. ClinVar contains an entry for this variant (Variation ID: 1342692). Invitae Evidence Modeling of protein sequence and biophysical properties (such as structural, functional, and spatial information, amino acid conservation, physicochemical variation, residue mobility, and thermodynamic stability) indicates that this missense variant is not expected to disrupt SCN2A protein function with a negative predictive value of 95%. In summary, the currently available evidence indicates that the variant is pathogenic, but additional data are needed to prove that conclusively. Therefore, this variant has been classified as Likely Pathogenic.

Neurology Department, Shenzhen Children's Hospital
Classification: Pathogenic for Benign familial infantile epilepsy. Last evaluated: 2022-02-16. Review status: no assertion criteria provided. Collection method: clinical testing. Allele origin: de novo. Affected: yes. Not counted in ClinVar's aggregate classification.

Literature cited by the submitters: PubMed 35431799 (cited by Labcorp Genetics (formerly Invitae), Labcorp).

NM_001040142.2(SCN2A):c.2870C>A (p.Thr957Asn)

Gene: SCN2A (sodium voltage-gated channel alpha subunit 2; plus strand). Cytogenetic location: 2q24.3.
Variant type: single nucleotide variant.
Coding change: c.2870C>A on transcript NM_001040142.2 (MANE Select); coding-DNA position 2870, C replaced by A.
Protein change: p.Thr957Asn; replaces threonine 957 with asparagine.
Molecular consequence: missense variant.
Genome position (GRCh38, 1-based): chr2:165,344,862, C>A. VCF-style: chr2-165344862-C-A. GRCh37 (hg19) VCF-style: chr2-166201372-C-A.
Other names: c.2870C>A, p.Thr957Asn (NM_001040143.2, NM_001371246.1, NM_001371247.1 and 1 more transcripts); short protein forms T957N.
Identifiers: ClinVar variation 1342692 (VCV001342692.7), dbSNP rs2105319167, ClinGen allele CA349016282.
Genomic context (GRCh38, chr2:165,344,862, plus strand): 5'-GCGTGCTGTGTGGAGAGTGGATAGAGACCATGTGGGACTGTATGGAGGTCGCTGGCCAAA[C>A]CATGTGCCTTACTGTCTTCATGATGGTCATGGTGATTGGAAATCTAGTGGTATGTAGCAA-3'
Protein context (NP_001035232.1, residues 947-967): MWDCMEVAGQ[Thr957Asn]MCLTVFMMVM